The following is an entry in ClinVar:

NM_013382.7(POMT2):c.1006+1del

Gene: POMT2 (protein O-mannosyltransferase 2; minus strand). Cytogenetic location: 14q24.3.
Variant type: Deletion.
Coding change: c.1006+1del on transcript NM_013382.7 (MANE Select); the canonical splice donor site of the intron after coding-DNA position 1006, one base deleted (G; older notation c.1006+1delG).
Molecular consequence: splice donor variant.
Genome position (GRCh38, 1-based): chr14:77,298,688, C deleted on the plus strand (G on the coding strand, the reverse complement: POMT2 is on the minus strand). VCF-style (leftmost placement, unchanged base first): chr14-77298687-AC-A. GRCh37 (hg19) VCF-style: chr14-77765030-AC-A.
Other names: c.1006+1delG (NM_013382.5).
Identifiers: ClinVar variation 422818 (VCV000422818.2), dbSNP rs1064796019, ClinGen allele CA16619886.

ClinVar aggregate classification (germline): Pathogenic (1 of 4 stars; one submission).

Submission:

GeneDx
Classification: Pathogenic. Last evaluated: 2018-02-27. Review status: criteria provided, single submitter. Criteria: GeneDx Variant Classification (06012015). Collection method: clinical testing. Allele origin: germline. Affected: yes.
Comment: The c.1006+1delG variant in the POMT2 gene has not been reported previously as a pathogenic variant nor as a benign variant, to our knowledge. This splice site variant destroys the canonical splice donor site in intron 8. It is predicted to cause abnormal gene splicing, either leading to an abnormal message that is subject to nonsense-mediated mRNA decay, or to an abnormal protein product if the message is used for protein translation. The c.1006+1delG variant was not observed in approximately 6500 individuals of European and African American ancestry in the NHLBI Exome Sequencing Project, indicating it is not a common benign variant in these populations. We interpret c.1006+1delG as a pathogenic variant.